The following is an entry in ClinVar:

ClinVar aggregate classification (germline): Uncertain significance (1 of 4 stars; one submission).

Conditions:
Mucopolysaccharidosis, MPS-III-D (MPS3D). Also called: Mucopoly-saccharidosis type 3D; N-acetylglucosamine-6-sulfate sulfatase deficiency; MPS 3D; MPS IIID (Sanfilippo Syndrome Type D); MUCOPOLYSACCHARIDOSIS, TYPE IIID; N-ACETYLGLUCOSAMINE-6-SULFATASE DEFICIENCY. Identifiers: Orphanet 581, Orphanet 79272, MedGen C0086650, MONDO:0009658, OMIM 252940.

Submission:

Labcorp Genetics (formerly Invitae), Labcorp
Classification: Uncertain significance for Mucopolysaccharidosis, MPS-III-D. Last evaluated: 2021-11-27. Review status: criteria provided, single submitter. Criteria: Invitae Variant Classification Sherloc (09022015). Collection method: clinical testing. Allele origin: germline.
Comment: In summary, the available evidence is currently insufficient to determine the role of this variant in disease. Therefore, it has been classified as a Variant of Uncertain Significance. Algorithms developed to predict the effect of missense changes on protein structure and function (SIFT, PolyPhen-2, Align-GVGD) all suggest that this variant is likely to be tolerated. This variant has not been reported in the literature in individuals affected with GNS-related conditions. This variant is not present in population databases (gnomAD no frequency). This sequence change replaces asparagine, which is neutral and polar, with serine, which is neutral and polar, at codon 317 of the GNS protein (p.Asn317Ser).

NM_002076.4(GNS):c.950A>G (p.Asn317Ser)

Gene: GNS (glucosamine (N-acetyl)-6-sulfatase; minus strand). Cytogenetic location: 12q14.3.
Variant type: single nucleotide variant.
Coding change: c.950A>G on transcript NM_002076.4 (MANE Select); coding-DNA position 950, A replaced by G.
Protein change: p.Asn317Ser; replaces asparagine 317 with serine.
Molecular consequence: missense variant.
Genome position (GRCh38, 1-based): chr12:64,739,425, T>C on the plus strand (A>G on the coding strand, the complement: GNS is on the minus strand). VCF-style: chr12-64739425-T-C. GRCh37 (hg19) VCF-style: chr12-65133205-T-C.
Other names: short protein forms N317S.
Identifiers: ClinVar variation 1394387 (VCV001394387.6), dbSNP rs2136245502, ClinGen allele CA385607778.
Genomic context (GRCh38, chr12:64,739,425, plus strand): 5'-TACTCCTGCCTCTGACCTGTGTGATAGCCATTGTCTGAGGTATAGAAGATGTAAGTGTTG[T>C]TGAGCTCCCCAGTGAACTCCAGCCTCTTGACCAGTTTCTCCACAAGGTCATCAACTGAGA-3'
Protein context (NP_002067.1, residues 307-327): VKRLEFTGEL[Asn317Ser]NTYIFYTSDN